The following is an entry in ClinVar:

NM_000540.3(RYR1):c.10620C>G (p.Tyr3540Ter)

Gene: RYR1 (ryanodine receptor 1; plus strand). Cytogenetic location: 19q13.2.
Variant type: single nucleotide variant.
Coding change: c.10620C>G on transcript NM_000540.3 (MANE Select); coding-DNA position 10620, C replaced by G.
Protein change: p.Tyr3540Ter; replaces tyrosine 3540 with a stop codon.
Molecular consequence: nonsense.
Genome position (GRCh38, 1-based): chr19:38,525,496, C>G. VCF-style: chr19-38525496-C-G. GRCh37 (hg19) VCF-style: chr19-39016136-C-G.
Other names: c.10605C>G, p.Tyr3535Ter (NM_001042723.2); short protein forms Y3540*, Y3535*.
Identifiers: ClinVar variation 433177 (VCV000433177.2), dbSNP rs758247804, ClinGen allele CA405644022.
Genomic context (GRCh38, chr19:38,525,496, plus strand): 5'-CGGCCTGAATATGTGTGCGCCCACCGACCAAGACCTCATCACGCTGGCCAAGACCCGTTA[C>G]GCCCTGGTGCCTGCCCAGCCCCGTCCTCGGAACCTTCCAGGATGCCGCCCAGCACCCACT-3'

ClinVar aggregate classification (germline): Pathogenic (1 of 4 stars; one submission).

Conditions:
Arthrogryposis multiplex congenita (AMC). Also called: Congenital multiple arthrogryposis; Fibrous ankylosis of multiple joints; Congenital arthromyodysplasia; Myodystrophia fetalis deformans; Otto syndrome; Rocher-Sheldon syndrome. Identifiers: Orphanet 1037, MedGen C5779613, MeSH D001176, MONDO:0015168, HP:0002804.

gnomAD v4.1: 2 of 1,613,832 alleles (0.00012%); highest among the groups gnomAD compares: Non-Finnish European, 0.00017%; no homozygotes.

Submission:

Center of Genomic medicine, Geneva, University Hospital of Geneva
Classification: Pathogenic for Arthrogryposis multiplex congenita. Last evaluated: 2017-05-16. Review status: criteria provided, single submitter. Criteria: ACMG Guidelines, 2015. Collection method: clinical testing. Allele origin: paternal. Affected: yes.